The following is an entry in ClinVar:

ClinVar aggregate classification (germline): Likely benign. Review status: criteria provided, multiple submitters, no conflicts (2 of 4 stars). 2 submissions from 2 submitters: Likely benign (2). Last evaluated 2025-05-01.

Allele frequency attached by ClinVar (database versions not stated): gnomAD exomes below 0.00001; ExAC 0.00002; gnomAD 0.00003; TOPMed 0.00004; 1000 Genomes Project 30x 0.00016; 1000 Genomes Project 0.00020.
gnomAD v4.1: 6 of 1,614,108 alleles (0.00037%); highest among the groups gnomAD compares: African/African-American, 0.0067%; no homozygotes.

Submissions (2):

CeGaT Center for Human Genetics Tuebingen
Classification: Likely benign. Last evaluated: 2025-05-01. Review status: criteria provided, single submitter. Criteria: CeGaT Center For Human Genetics Tuebingen Variant Classification Criteria Version 2. Collection method: clinical testing. Allele origin: germline. Affected: yes. Observed: 1 variant allele.
Comment: HIVEP2: BS2

Labcorp Genetics (formerly Invitae), Labcorp
Classification: Likely benign. Last evaluated: 2025-03-15. Review status: criteria provided, single submitter. Criteria: Invitae Variant Classification Sherloc (09022015). Collection method: clinical testing. Allele origin: germline.

NM_006734.4(HIVEP2):c.556C>G (p.Pro186Ala)

Gene: HIVEP2 (HIVEP zinc finger 2; minus strand). Cytogenetic location: 6q24.2.
Variant type: single nucleotide variant.
Coding change: c.556C>G on transcript NM_006734.4 (MANE Select); coding-DNA position 556, C replaced by G.
Protein change: p.Pro186Ala; replaces proline 186 with alanine.
Molecular consequence: missense variant.
Genome position (GRCh38, 1-based): chr6:142,774,183, G>C on the plus strand (C>G on the coding strand, the complement: HIVEP2 is on the minus strand). VCF-style: chr6-142774183-G-C. GRCh37 (hg19) VCF-style: chr6-143095320-G-C.
Other names: short protein forms P186A.
Identifiers: ClinVar variation 2099696 (VCV002099696.14), dbSNP rs192213755, ClinGen allele CA4028710.